The following is an entry in ClinVar:

ClinVar aggregate classification (germline): Pathogenic/Likely pathogenic. Review status: criteria provided, multiple submitters, no conflicts (2 of 4 stars). 5 submissions from 5 submitters: Pathogenic (2); Likely pathogenic (3). Last evaluated 2026-03-25.

Conditions:
Usher syndrome type 1 (USH1). Also called: RETINITIS PIGMENTOSA AND CONGENITAL DEAFNESS. Identifiers: Orphanet 231169, Orphanet 886, MedGen C1568247, MONDO:0010168, OMIM 276900.
Pituitary adenoma 5, multiple types. Identifiers: MedGen C4539685, MONDO:0054601, OMIM 617540.
CDH23-related disorder. Also called: CDH23-related condition; CDH23-related disorders.

Allele frequency attached by ClinVar (database versions not stated): gnomAD exomes below 0.00001; TOPMed below 0.00001; gnomAD 0.00001.
gnomAD v4.1: 5 of 1,612,704 alleles (0.00031%); highest among the groups gnomAD compares: Non-Finnish European, 0.00042%; no homozygotes.

Submissions (5):

GeneDx
Classification: Likely pathogenic. Last evaluated: 2026-03-25. Review status: criteria provided, single submitter. Criteria: GeneDx Variant Classification Process June 2021. Collection method: clinical testing. Allele origin: germline.
Comment: Canonical splice site variant predicted to result in a null allele in a gene for which loss of function is a known mechanism of disease; Not observed at significant frequency in large population cohorts (gnomAD); Observed in a patient with Usher syndrome in published literature (PMID: 22135276); This variant is associated with the following publications: (PMID: 31546658, 22135276, 39777619)

Natera, Inc.
Classification: Likely pathogenic for Usher syndrome type 1. Last evaluated: 2024-05-20. Review status: criteria provided, single submitter. Criteria: Natera Variant Classification Schema (03/2026). Collection method: clinical testing. Allele origin: germline.
Comment: The c.2177-2A>G variant in CDH23 is a canonical splice acceptor site variant predicted to affect pre-mRNA splicing, which may result in an abnormal transcript and altered protein product. This variant is expected to result in nonsense mediated decay, truncation, or a dysfunctional protein product. This variant is rare in the general population with a frequency below the threshold expected for the associated phenotype(s). Given the available evidence, this variant is classified as Likely Pathogenic.

Baylor Genetics
Classification: Pathogenic for Pituitary adenoma 5, multiple types. Last evaluated: 2024-03-07. Review status: criteria provided, single submitter. Criteria: ACMG Guidelines, 2015. Collection method: clinical testing. Allele origin: unknown.

Blueprint Genetics
Classification: Pathogenic for CDH23-related disorders. Last evaluated: 2021-09-09. Review status: criteria provided, single submitter. Criteria: ACMG Guidelines, 2015. Collection method: clinical testing. Allele origin: germline. Affected: yes. Observed: 4 variant alleles.

Labcorp Genetics (formerly Invitae), Labcorp
Classification: Likely pathogenic. Last evaluated: 2018-12-08. Review status: criteria provided, single submitter. Criteria: Invitae Variant Classification Sherloc (09022015). Collection method: clinical testing. Allele origin: germline.
Comment: This variant has been observed in an individual with Usher syndrome (PMID: 22135276). In summary, the currently available evidence indicates that the variant is pathogenic, but additional data are needed to prove that conclusively. Therefore, this variant has been classified as Likely Pathogenic. Donor and acceptor splice site variants typically lead to a loss of protein function (PMID: 16199547), and loss-of-function variants in CDH23 are known to be pathogenic (PMID: 11138009, 21940737). This variant is not present in population databases (ExAC no frequency). This sequence change affects an acceptor splice site in intron 20 of the CDH23 gene. It is expected to disrupt RNA splicing and likely results in an absent or disrupted protein product.

Literature cited by the submitters: PubMed 22135276 (cited by Labcorp Genetics (formerly Invitae), Labcorp); PubMed 16199547 (cited by Labcorp Genetics (formerly Invitae), Labcorp); PubMed 11138009 (cited by Labcorp Genetics (formerly Invitae), Labcorp); PubMed 21940737 (cited by Labcorp Genetics (formerly Invitae), Labcorp).

NM_022124.6(CDH23):c.2177-2A>G

Gene: CDH23 (cadherin related 23; plus strand). Cytogenetic location: 10q22.1.
Variant type: single nucleotide variant.
Coding change: c.2177-2A>G on transcript NM_022124.6 (MANE Select); the canonical splice acceptor site of the intron before coding-DNA position 2177, A replaced by G.
Molecular consequence: splice acceptor variant.
Genome position (GRCh38, 1-based): chr10:71,694,145, A>G. VCF-style: chr10-71694145-A-G. GRCh37 (hg19) VCF-style: chr10-73453902-A-G.
Other names: c.2177-2A>G (NM_001171930.2, NM_001171931.2).
Identifiers: ClinVar variation 654574 (VCV000654574.13), dbSNP rs1377982927, ClinGen allele CA377134529.
Genomic context (GRCh38, chr10:71,694,145, plus strand): 5'-TTCCCTCCCTCTCTCCCTGGCCCACCCAAACCCTCTCACGCACCCACTTCTCTCTCTGGC[A>G]GGGGAAATCACCACCACGTCTCTGCTTGACCGAGAGACCAAGTCTGAATACATCCTCATC-3'